The following is an entry in ClinVar:

NM_000878.5(IL2RB):c.595A>G (p.Thr199Ala)

Gene: IL2RB (interleukin 2 receptor subunit beta; minus strand). Cytogenetic location: 22q12.3.
Variant type: single nucleotide variant.
Coding change: c.595A>G on transcript NM_000878.5 (MANE Select); coding-DNA position 595, A replaced by G.
Protein change: p.Thr199Ala; replaces threonine 199 with alanine.
Molecular consequence: missense variant.
Genome position (GRCh38, 1-based): chr22:37,136,336, T>C on the plus strand (A>G on the coding strand, the complement: IL2RB is on the minus strand). VCF-style: chr22-37136336-T-C. GRCh37 (hg19) VCF-style: chr22-37532376-T-C.
Other names: c.595A>G, p.Thr199Ala (NM_001346222.1, NM_001346223.2); short protein forms T199A.
Identifiers: ClinVar variation 3694649 (VCV003694649.2).

ClinVar aggregate classification (germline): Uncertain significance (1 of 4 stars; one submission).

Submission:

Labcorp Genetics (formerly Invitae), Labcorp
Classification: Uncertain significance. Last evaluated: 2024-07-16. Review status: criteria provided, single submitter. Criteria: Invitae Variant Classification Sherloc (09022015). Collection method: clinical testing. Allele origin: germline.
Comment: This sequence change replaces threonine, which is neutral and polar, with alanine, which is neutral and non-polar, at codon 199 of the IL2RB protein (p.Thr199Ala). This variant is not present in population databases (gnomAD no frequency). This variant has not been reported in the literature in individuals affected with IL2RB-related conditions. An algorithm developed to predict the effect of missense changes on protein structure and function outputs the following: PolyPhen-2: "Benign". The alanine amino acid residue is found in multiple mammalian species, which suggests that this missense change does not adversely affect protein function. In summary, the available evidence is currently insufficient to determine the role of this variant in disease. Therefore, it has been classified as a Variant of Uncertain Significance.